The following is an entry in ClinVar:

NM_014629.4(ARHGEF10):c.478G>A (p.Glu160Lys)

Gene: ARHGEF10 (Rho guanine nucleotide exchange factor 10; plus strand). Cytogenetic location: 8p23.3.
Variant type: single nucleotide variant.
Coding change: c.478G>A on transcript NM_014629.4 (MANE Select); coding-DNA position 478, G replaced by A.
Protein change: p.Glu160Lys; replaces glutamic acid 160 with lysine.
Molecular consequence: missense variant.
Genome position (GRCh38, 1-based): chr8:1,860,181, G>A. VCF-style: chr8-1860181-G-A. GRCh37 (hg19) VCF-style: chr8-1808347-G-A.
Other names: c.478G>A (NM_014629.3); c.478G>A, p.Glu160Lys (NM_001308152.2, NM_001308153.3); short protein forms E184K, E160K.
Identifiers: ClinVar variation 3425082 (VCV003425082.2).

ClinVar aggregate classification (germline): Uncertain significance. Review status: criteria provided, multiple submitters, no conflicts (2 of 4 stars). 2 submissions from 2 submitters: Uncertain significance (2). Last evaluated 2025-06-13.

Conditions:
ARHGEF10-related disorder. Also called: ARHGEF10-related condition.

gnomAD v4.1: 89 of 1,612,542 alleles (0.0055%); highest among the groups gnomAD compares: Non-Finnish European, 0.0075%; no homozygotes.

Submissions (2):

PreventionGenetics, part of Exact Sciences
Classification: Uncertain significance for ARHGEF10-related condition. Last evaluated: 2025-06-13. Review status: criteria provided, single submitter. Criteria: ACMG Guidelines, 2015. Collection method: clinical testing. Allele origin: germline.
Comment: The ARHGEF10 c.478G>A variant is predicted to result in the amino acid substitution p.Glu160Lys. To our knowledge, this variant has not been reported in the literature. This variant is reported in 0.0047% of alleles in individuals of European (Non-Finnish) descent in gnomAD. At this time, the clinical significance of this variant is uncertain due to the absence of conclusive functional and genetic evidence.

Ambry Genetics
Classification: Uncertain significance. Last evaluated: 2024-11-25. Review status: criteria provided, single submitter. Criteria: Ambry Variant Classification Scheme 2023. Collection method: clinical testing. Allele origin: germline.